The following is an entry in ClinVar:

ClinVar aggregate classification (germline): Uncertain significance (1 of 4 stars; one submission).

Conditions:
Hereditary cancer-predisposing syndrome. Also called: Hereditary Cancer Syndrome; Tumor predisposition; Hereditary neoplastic syndrome; Neoplastic Syndromes, Hereditary. Identifiers: Orphanet 140162, MedGen C0027672, MeSH D009386, MONDO:0015356.

Submission:

Hereditary Cancer Group, L’Institut d'Investigació Biomèdica de Bellvitge
Classification: Uncertain significance for Hereditary cancer-predisposing syndrome. Last evaluated: 2024-12-19. Review status: criteria provided, single submitter. Criteria: Hatton et al. (Hum Mutat. 2023). Collection method: clinical testing. Allele origin: germline. Inheritance: Autosomal dominant inheritance. Affected: yes.
Comment: PM2_supporting, BP4

NM_177438.3(DICER1):c.4782T>G (p.Ile1594Met)

Gene: DICER1 (dicer 1, ribonuclease III; minus strand). Cytogenetic location: 14q32.13.
Variant type: single nucleotide variant.
Coding change: c.4782T>G on transcript NM_177438.3 (MANE Select); coding-DNA position 4782, T replaced by G.
Protein change: p.Ile1594Met; replaces isoleucine 1594 with methionine.
Molecular consequence: missense variant. On other transcripts: non-coding transcript variant (6).
Genome position (GRCh38, 1-based): chr14:95,096,138, A>C on the plus strand (T>G on the coding strand, the complement: DICER1 is on the minus strand). VCF-style: chr14-95096138-A-C. GRCh37 (hg19) VCF-style: chr14-95562475-A-C.
Other names: c.4782T>G, p.Ile1594Met (NM_001195573.1, NM_001271282.3, NM_001291628.2 and 12 more transcripts); c.4500T>G, p.Ile1500Met (NM_001395686.1); c.4377T>G, p.Ile1459Met (NM_001395687.1, NM_001395688.1, NM_001395689.1 and 2 more transcripts); c.4215T>G, p.Ile1405Met (NM_001395691.1); c.3099T>G, p.Ile1033Met (NM_001395697.1); short protein forms I1033M, I1405M, I1459M, I1500M, I1594M.
Identifiers: ClinVar variation 3393371 (VCV003393371.1).